The following is an entry in ClinVar:

ClinVar aggregate classification (germline): Conflicting classifications of pathogenicity. Review status: criteria provided, conflicting classifications (1 of 4 stars). 6 submissions from 5 submitters: Uncertain significance (1); Benign (3); Likely benign (1). 1 of the submissions does not count toward it. Last evaluated 2026-03-26.

Conditions:
Branchiootic syndrome 1 (BOS1). Also called: BO SYNDROME 1; BRANCHIOOTIC DYSPLASIA. Identifiers: MedGen C1865143, MONDO:0011258, OMIM 602588.
Otofaciocervical syndrome 1 (OTFCS). Identifiers: MedGen C3714941, MONDO:0024532, OMIM 166780.
EYA1-related disorder. Also called: EYA1-related condition.
Melnick-Fraser syndrome (BOR). Also called: Branchio-oto-renal syndrome; Branchiootorenal Syndrome (BORS); Branchiootorenal syndrome. Identifiers: Orphanet 107, MedGen C0265234, MONDO:0007029.

Allele frequency attached by ClinVar (database versions not stated): ExAC 0.00007; ESP Exome Variant Server 0.00008; gnomAD exomes 0.00010 and 0.00014; TOPMed 0.00013; gnomAD 0.00014 and 0.00016; 1000 Genomes Project 0.00060; 1000 Genomes Project 30x 0.00062.
gnomAD v4.1: 236 of 1,614,088 alleles (0.015%); highest among the groups gnomAD compares: African/African-American, 0.024%; 1 homozygote.

Submissions (6):

GeneDx
Classification: Uncertain significance. Last evaluated: 2026-03-26. Review status: criteria provided, single submitter. Criteria: GeneDx Variant Classification Process June 2021. Collection method: clinical testing. Allele origin: germline.
Comment: Reported in a cohort of individuals with conotruncal heart defects, but detailed clinical information and familial segregation were not provided (PMID: 29043394); In silico analysis suggests that this missense variant does not alter protein structure/function; This variant is associated with the following publications: (PMID: 29043394)

Labcorp Genetics (formerly Invitae), Labcorp
Classification: Benign for Melnick-Fraser syndrome. Last evaluated: 2025-04-24. Review status: criteria provided, single submitter. Criteria: Invitae Variant Classification Sherloc (09022015). Collection method: clinical testing. Allele origin: germline.

CeGaT Center for Human Genetics Tuebingen
Classification: Likely benign. Last evaluated: 2023-01-01. Review status: criteria provided, single submitter. Criteria: CeGaT Center For Human Genetics Tuebingen Variant Classification Criteria Version 2. Collection method: clinical testing. Allele origin: germline. Affected: yes. Observed: 1 variant allele.
Comment: EYA1: BS2

Illumina Laboratory Services, Illumina
Classification: Benign for Otofaciocervical syndrome 1. Last evaluated: 2018-01-12. Review status: criteria provided, single submitter. Criteria: ICSL Variant Classification Criteria 13 December 2019. Collection method: clinical testing. Allele origin: germline.
Comment: This variant was observed in the ICSL laboratory as part of a predisposition screen in an ostensibly healthy population. It had not been previously curated by ICSL or reported in the Human Gene Mutation Database (HGMD: prior to June 1st, 2018), and was therefore a candidate for classification through an automated scoring system. Utilizing variant allele frequency, disease prevalence and penetrance estimates, and inheritance mode, an automated score was calculated to assess if this variant is too frequent to cause the disease. Based on the score and internal cut-off values, a variant classified as benign is not then subjected to further curation. The score for this variant resulted in a classification of benign for this disease.

Illumina Laboratory Services, Illumina
Classification: Benign for Branchiootic syndrome. Last evaluated: 2018-01-12. Review status: criteria provided, single submitter. Criteria: ICSL Variant Classification Criteria 13 December 2019. Collection method: clinical testing. Allele origin: germline.
Comment: the same text as in the submission from Illumina Laboratory Services, Illumina above.

PreventionGenetics, part of Exact Sciences
Classification: Likely benign for EYA1-related condition. Last evaluated: 2024-07-31. Review status: no assertion criteria provided. Collection method: clinical testing. Allele origin: germline. Not counted in ClinVar's aggregate classification.
Comment: This variant is classified as likely benign based on ACMG/AMP sequence variant interpretation guidelines (Richards et al. 2015 PMID: 25741868, with internal and published modifications).

NM_000503.6(EYA1):c.887G>A (p.Arg296His)

Gene: EYA1 (EYA transcriptional coactivator and phosphatase 1; minus strand). Cytogenetic location: 8q13.3.
Variant type: single nucleotide variant.
Coding change: c.887G>A on transcript NM_000503.6 (MANE Select); coding-DNA position 887, G replaced by A.
Protein change: p.Arg296His; replaces arginine 296 with histidine.
Molecular consequence: missense variant.
Genome position (GRCh38, 1-based): chr8:71,271,837, C>T on the plus strand (G>A on the coding strand, the complement: EYA1 is on the minus strand). VCF-style: chr8-71271837-C-T. GRCh37 (hg19) VCF-style: chr8-72184072-C-T.
Other names: c.869G>A, p.Arg290His (NM_001288574.2); c.521G>A, p.Arg174His (NM_001288575.2); c.974G>A, p.Arg325His (NM_001370333.1); c.887G>A, p.Arg296His (NM_001370334.1, NM_001370335.1, NM_172058.4); c.956G>A, p.Arg319His (NM_001370336.1); c.959G>A, p.Arg320His (NM_172059.5); c.887G>A (NM_172058.3); short protein forms R174H, R290H, R296H, R319H, R325H, R320H.
Identifiers: ClinVar variation 909566 (VCV000909566.30), dbSNP rs181191349, ClinGen allele CA4779631.